The following is an entry in ClinVar:

NM_001134407.3(GRIN2A):c.415-2A>G

Gene: GRIN2A (glutamate ionotropic receptor NMDA type subunit 2A; minus strand). Cytogenetic location: 16p13.2.
Variant type: single nucleotide variant.
Coding change: c.415-2A>G on transcript NM_001134407.3 (MANE Select); the canonical splice acceptor site of the intron before coding-DNA position 415, A replaced by G.
Molecular consequence: splice acceptor variant.
Genome position (GRCh38, 1-based): chr16:9,938,553, T>C on the plus strand (A>G on the coding strand, the complement: GRIN2A is on the minus strand). VCF-style: chr16-9938553-T-C. GRCh37 (hg19) VCF-style: chr16-10032410-T-C.
Other names: c.415-2A>G (NM_001134408.2, NM_000833.5).
Identifiers: ClinVar variation 1325707 (VCV001325707.4), dbSNP rs2141633312, ClinGen allele CA394799712.
Genomic context (GRCh38, chr16:9,938,553, plus strand): 5'-ATGACCGTGGCTTGCTGCTGGATGGACGCTCCAAACTGGAAGAAGGTAGACGTCGGATCC[T>C]GCCAGTGAAAAGAAAGTAAAACAGAGGATGAGGCAGGAGGTGGTTTATATAGAAGCACAA-3'

ClinVar aggregate classification (germline): Likely pathogenic. Review status: criteria provided, multiple submitters, no conflicts (2 of 4 stars). 2 submissions from 2 submitters: Likely pathogenic (2). Last evaluated 2024-06-03.

Conditions:
Landau-Kleffner syndrome (FESD). Also called: EPILEPSY, FOCAL, WITH SPEECH DISORDER AND WITH OR WITHOUT MENTAL RETARDATION; APHASIA, ACQUIRED, WITH EPILEPSY. Identifiers: Orphanet 1945, Orphanet 725, Orphanet 98818, MedGen C0282512, MONDO:0009509, OMIM 245570.

Submissions (2):

Labcorp Genetics (formerly Invitae), Labcorp
Classification: Likely pathogenic for Landau-Kleffner syndrome. Last evaluated: 2024-06-03. Review status: criteria provided, single submitter. Criteria: Invitae Variant Classification Sherloc (09022015). Collection method: clinical testing. Allele origin: germline.
Comment: This sequence change affects an acceptor splice site in intron 3 of the GRIN2A gene. It is expected to disrupt RNA splicing. Variants that disrupt the donor or acceptor splice site typically lead to a loss of protein function (PMID: 16199547), and loss-of-function variants in GRIN2A are known to be pathogenic (PMID: 23933819, 23933820). This variant is not present in population databases (gnomAD no frequency). Disruption of this splice site has been observed in individual(s) with clinical features of developmental and epileptic encephalopathy (PMID: 30544257). ClinVar contains an entry for this variant (Variation ID: 1325707). Algorithms developed to predict the effect of sequence changes on RNA splicing suggest that this variant may disrupt the consensus splice site. In summary, the currently available evidence indicates that the variant is pathogenic, but additional data are needed to prove that conclusively. Therefore, this variant has been classified as Likely Pathogenic.

Institute of Human Genetics, University of Leipzig Medical Center
Classification: Likely pathogenic for Landau-Kleffner syndrome. Last evaluated: 2019-01-01. Review status: criteria provided, single submitter. Criteria: ACMG Guidelines, 2015. Collection method: research. Allele origin: unknown. Affected: yes.

Literature cited by the submitters: PubMed 16199547 (cited by Labcorp Genetics (formerly Invitae), Labcorp); PubMed 23933819 (cited by Labcorp Genetics (formerly Invitae), Labcorp); PubMed 23933820 (cited by Labcorp Genetics (formerly Invitae), Labcorp); PubMed 30544257 (cited by Labcorp Genetics (formerly Invitae), Labcorp and Institute of Human Genetics, University of Leipzig Medical Center).